The following is an entry in ClinVar:

NM_001384910.1(GUCA1A):c.-26A>G

Genes: GUCA1ANB-GUCA1A (GUCA1ANB-GUCA1A readthrough; plus strand), GUCA1A (guanylate cyclase activator 1A; plus strand). Cytogenetic location: 6p21.1.
Variant type: single nucleotide variant.
Coding change: c.-26A>G on transcript NM_001384910.1 (MANE Select); 26 bases upstream of the start codon, A replaced by G.
Molecular consequence: 5 prime UTR variant.
Genome position (GRCh38, 1-based): chr6:42,173,588, A>G. VCF-style: chr6-42173588-A-G. GRCh37 (hg19) VCF-style: chr6-42141326-A-G.
Other names: c.-26A>G (NM_000409.5, NM_001319061.2, NM_001319062.2).
Identifiers: ClinVar variation 356691 (VCV000356691.6), dbSNP rs6937603, ClinGen allele CA3805233.
Genomic context (GRCh38, chr6:42,173,588, plus strand): 5'-CCCGTTGTCGGCCAAGACACCTTTGGGCGAGGAGCAGCGAACAGGGCCTGTCCATCTCAG[A>G]CGTCAGCCCCCTGAAGGCCTGAGCAATGGGCAACGTGATGGAGGGAAAGTCAGTGGAGGA-3'

ClinVar aggregate classification (germline): Benign. Review status: criteria provided, multiple submitters, no conflicts (2 of 4 stars). 2 submissions from 2 submitters: Benign (2). Last evaluated 2018-07-05.

Conditions:
Cone dystrophy 3 (COD3). Also called: RETINAL CONE DYSTROPHY. Identifiers: Orphanet 1872, MedGen C1865869, MONDO:0011193, OMIM 602093.

Allele frequency attached by ClinVar (database versions not stated): gnomAD exomes 0.03615; ExAC 0.04386; gnomAD 0.13476 and 0.14446; ESP Exome Variant Server 0.14870; TOPMed 0.15216; 1000 Genomes Project 0.15515; 1000 Genomes Project 30x 0.16458.
gnomAD v4.1: 42,090 of 1,592,506 alleles (2.6%); highest among the groups gnomAD compares: African/African-American, 46%; 8,388 homozygotes.

Submissions (2):

GeneDx
Classification: Benign. Last evaluated: 2018-07-05. Review status: criteria provided, single submitter. Criteria: GeneDx Variant Classification Process June 2021. Collection method: clinical testing. Allele origin: germline. Affected: yes.

Illumina Laboratory Services, Illumina
Classification: Benign for Cone dystrophy 3. Last evaluated: 2018-01-12. Review status: criteria provided, single submitter. Criteria: ICSL Variant Classification Criteria 13 December 2019. Collection method: clinical testing. Allele origin: germline.
Comment: This variant was observed in the ICSL laboratory as part of a predisposition screen in an ostensibly healthy population. It had not been previously curated by ICSL or reported in the Human Gene Mutation Database (HGMD: prior to June 1st, 2018), and was therefore a candidate for classification through an automated scoring system. Utilizing variant allele frequency, disease prevalence and penetrance estimates, and inheritance mode, an automated score was calculated to assess if this variant is too frequent to cause the disease. Based on the score and internal cut-off values, a variant classified as benign is not then subjected to further curation. The score for this variant resulted in a classification of benign for this disease.